The following is an entry in ClinVar:

NM_182641.4(BPTF):c.6874G>A (p.Glu2292Lys)

Gene: BPTF (bromodomain PHD finger transcription factor; plus strand). Cytogenetic location: 17q24.2.
Variant type: single nucleotide variant.
Coding change: c.6874G>A on transcript NM_182641.4 (MANE Select); coding-DNA position 6874, G replaced by A.
Protein change: p.Glu2292Lys; replaces glutamic acid 2292 with lysine.
Molecular consequence: missense variant.
Genome position (GRCh38, 1-based): chr17:67,945,582, G>A. VCF-style: chr17-67945582-G-A. GRCh37 (hg19) VCF-style: chr17-65941698-G-A.
Other names: c.7252G>A, p.Glu2418Lys (NM_004459.7); short protein forms E2418K, E2292K.
Identifiers: ClinVar variation 1031425 (VCV001031425.2), dbSNP rs1374856931, ClinGen allele CA400723766.

ClinVar aggregate classification (germline): Uncertain significance. Review status: criteria provided, multiple submitters, no conflicts (2 of 4 stars). 2 submissions from 2 submitters: Uncertain significance (2). Last evaluated 2025-03-04.

Conditions:
Neurodevelopmental disorder with dysmorphic facies and distal limb anomalies. Identifiers: Orphanet 686482, MedGen C4540327, MONDO:0060596, OMIM 617755.

Allele frequency attached by ClinVar (database versions not stated): gnomAD exomes 0.00001 and 0.00008; gnomAD 0.00002; TOPMed 0.00003.
gnomAD v4.1: 111 of 1,611,386 alleles (0.0069%); highest among the groups gnomAD compares: Non-Finnish European, 0.0089%; no homozygotes.

Submissions (2):

Labcorp Genetics (formerly Invitae), Labcorp
Classification: Uncertain significance. Last evaluated: 2025-03-04. Review status: criteria provided, single submitter. Criteria: Invitae Variant Classification Sherloc (09022015). Collection method: clinical testing. Allele origin: germline.
Comment: This sequence change replaces glutamic acid, which is acidic and polar, with lysine, which is basic and polar, at codon 2418 of the BPTF protein (p.Glu2418Lys). This variant is present in population databases (no rsID available, gnomAD 0.002%). This variant has not been reported in the literature in individuals affected with BPTF-related conditions. ClinVar contains an entry for this variant (Variation ID: 1031425). An algorithm developed to predict the effect of missense changes on protein structure and function (PolyPhen-2) suggests that this variant is likely to be disruptive. In summary, the available evidence is currently insufficient to determine the role of this variant in disease. Therefore, it has been classified as a Variant of Uncertain Significance.

Baylor Genetics
Classification: Uncertain significance for Neurodevelopmental disorder with dysmorphic facies and distal limb anomalies. Last evaluated: 2018-02-21. Review status: criteria provided, single submitter. Criteria: ACMG Guidelines, 2015. Collection method: clinical testing. Allele origin: paternal. Affected: yes.
Comment: This variant was determined to be of uncertain significance according to ACMG Guidelines, 2015 [PMID:25741868].